The following is an entry in ClinVar:

ClinVar aggregate classification (germline): Uncertain significance (1 of 4 stars; one submission).

Conditions:
Familial hypocalciuric hypercalcemia (FHH). Also called: Familial benign hypercalcemia. Identifiers: Orphanet 405, MedGen C1809471, MONDO:0018458.
Autosomal dominant hypocalcemia 1 (HYPOC1). Also called: HYPOCALCEMIA, FAMILIAL. Identifiers: MedGen C3715128, MONDO:0011013, OMIM 601198.

Submission:

Labcorp Genetics (formerly Invitae), Labcorp
Classification: Uncertain significance for Familial hypocalciuric hypercalcemia; Autosomal dominant hypocalcemia 1. Last evaluated: 2026-01-31. Review status: criteria provided, single submitter. Criteria: Invitae Variant Classification Sherloc (09022015). Collection method: clinical testing. Allele origin: germline.
Comment: This variant, c.2331_2332insAGC, results in the insertion of 1 amino acid(s) of the CASR protein (p.Ile777_Gly778insSer), but otherwise preserves the integrity of the reading frame. This variant is not present in population databases (gnomAD no frequency). This variant has been observed in individual(s) with familial hypocalciuric hypercalcemia (PMID: 26963950). Experimental studies and prediction algorithms are not available or were not evaluated, and the functional significance of this variant is currently unknown. In summary, the available evidence is currently insufficient to determine the role of this variant in disease. Therefore, it has been classified as a Variant of Uncertain Significance.

Literature cited by the submitters: PubMed 26963950.

NM_000388.4(CASR):c.2331_2332insAGC (p.Ile777_Gly778insSer)

Gene: CASR (calcium sensing receptor; plus strand). Cytogenetic location: 3q21.1.
Variant type: Insertion.
Coding change: c.2331_2332insAGC on transcript NM_000388.4 (MANE Select); coding-DNA positions 2331 to 2332, AGC inserted.
Protein change: p.Ile777_Gly778insSer.
Genome position: GRCh38 VCF-style: chr3-122284284-T-TCAG. GRCh37 (hg19) VCF-style: chr3-122003131-T-TCAG.
Other names: c.2361_2362insAGC, p.Ile787_Gly788insSer (NM_001178065.2).
Identifiers: ClinVar variation 4783627 (VCV004783627.1).